The following is an entry in ClinVar:

ClinVar aggregate classification (germline): Likely benign. Review status: criteria provided, multiple submitters, no conflicts (2 of 4 stars). 2 submissions from 2 submitters: Likely benign (2). Last evaluated 2025-09-04.

gnomAD v4.1: 909 of 1,613,788 alleles (0.056%); highest among the groups gnomAD compares: African/African-American, 1%; 3 homozygotes.

Submissions (2):

Ambry Genetics
Classification: Likely benign. Last evaluated: 2025-09-04. Review status: criteria provided, single submitter. Criteria: Ambry Variant Classification Scheme 2023. Collection method: clinical testing. Allele origin: germline.

CeGaT Center for Human Genetics Tuebingen
Classification: Likely benign. Last evaluated: 2025-04-01. Review status: criteria provided, single submitter. Criteria: CeGaT Center For Human Genetics Tuebingen Variant Classification Criteria Version 2. Collection method: clinical testing. Allele origin: germline. Affected: yes. Observed: 1 variant allele.
Comment: MAP3K4: BP4, BS1

NM_005922.4(MAP3K4):c.190C>T (p.Pro64Ser)

Gene: MAP3K4 (mitogen-activated protein kinase kinase kinase 4; plus strand). Cytogenetic location: 6q26.
Variant type: single nucleotide variant.
Coding change: c.190C>T on transcript NM_005922.4 (MANE Select); coding-DNA position 190, C replaced by T.
Protein change: p.Pro64Ser; replaces proline 64 with serine.
Molecular consequence: missense variant. On other transcripts: 5 prime UTR variant (1), non-coding transcript variant (1).
Genome position (GRCh38, 1-based): chr6:161,034,296, C>T. VCF-style: chr6-161034296-C-T. GRCh37 (hg19) VCF-style: chr6-161455328-C-T.
Other names: c.-1550C>T (NM_001291958.2); c.190C>T, p.Pro64Ser (NM_001301072.2, NM_001363582.2, NM_006724.4); c.190C>T (NM_005922.2); short protein forms P64S.
Identifiers: ClinVar variation 3898197 (VCV003898197.8).
Genomic context (GRCh38, chr6:161,034,296, plus strand): 5'-TCCCTGCACACTGTCTTTCATAGGCAAGAGGGCACATTGGGAGATTCAGCTTGCAAGAGT[C>T]CTGAATCTGATCTAGAAGACTTCTCCGATGAAACAAATACAGAGAATCTTTATGGTACCT-3'
Protein context (NP_005913.3, residues 54-74): GTLGDSACKS[Pro64Ser]ESDLEDFSDE